The following is an entry in ClinVar:

ClinVar aggregate classification (germline): Uncertain significance (1 of 4 stars; one submission).

Conditions:
RAI1-related disorder. Also called: RAI1-related condition.

Submission:

PreventionGenetics, part of Exact Sciences
Classification: Uncertain significance for RAI1-related condition. Last evaluated: 2025-01-03. Review status: criteria provided, single submitter. Criteria: ACMG Guidelines, 2015. Collection method: clinical testing. Allele origin: germline.
Comment: The RAI1 c.746G>A variant is predicted to result in the amino acid substitution p.Arg249Lys. To our knowledge, this variant has not been reported in the literature or in a large population database (gnomAD), indicating this variant is rare. At this time, the clinical significance of this variant is uncertain due to the absence of conclusive functional and genetic evidence.

NM_030665.4(RAI1):c.746G>A (p.Arg249Lys)

Gene: RAI1 (retinoic acid induced 1; plus strand). Cytogenetic location: 17p11.2.
Variant type: single nucleotide variant.
Coding change: c.746G>A on transcript NM_030665.4 (MANE Select); coding-DNA position 746, G replaced by A.
Protein change: p.Arg249Lys; replaces arginine 249 with lysine.
Molecular consequence: missense variant.
Genome position (GRCh38, 1-based): chr17:17,793,694, G>A. VCF-style: chr17-17793694-G-A. GRCh37 (hg19) VCF-style: chr17-17697008-G-A.
Other names: short protein forms R249K.
Identifiers: ClinVar variation 5000713 (VCV005000713.1).